The following is an entry in ClinVar:

NM_000018.4(ACADVL):c.887_888del (p.Pro296fs)

Gene: ACADVL (acyl-CoA dehydrogenase very long chain; plus strand). Cytogenetic location: 17p13.1.
Variant type: Deletion.
Coding change: c.887_888del on transcript NM_000018.4 (MANE Select); coding-DNA positions 887 to 888, 2 bases deleted (CT; older notation c.887_888delCT).
Protein change: p.Pro296fs; shifts the reading frame from proline 296.
Molecular consequence: frameshift variant.
Genome position (GRCh38, 1-based): chr17:7,222,675-7,222,676, CT deleted. VCF-style (leftmost placement, unchanged base first): chr17-7222674-CCT-C. GRCh37 (hg19) VCF-style: chr17-7125993-CCT-C.
Other names: NM_000018.4(ACADVL):c.887_888del; p.Pro296fs; c.887_888del (NM_000018.3); c.821_822del, p.Pro274fs (NM_001033859.3); c.956_957del, p.Pro319fs (NM_001270447.2); c.659_660del, p.Pro220fs (NM_001270448.2); short protein forms P274fs, P319fs, P296fs, P220fs.
Identifiers: ClinVar variation 189008 (VCV000189008.59), dbSNP rs753108198, ClinGen allele CA274249.

ClinVar aggregate classification (germline): Likely pathogenic. Review status: reviewed by expert panel (3 of 4 stars). 12 submissions from 12 submitters: Likely pathogenic (1). 11 of the submissions do not count toward it. Last evaluated 2023-06-13.

Conditions:
Very long chain acyl-CoA dehydrogenase deficiency (ACADVLD). Also called: VLCAD Deficiency; Very Long-Chain Acyl-Coenzyme A Dehydrogenase Deficiency. Identifiers: Orphanet 26793, MedGen C3887523, MONDO:0008723, OMIM 201475.

Allele frequency attached by ClinVar (database versions not stated): gnomAD 0.00001 and 0.00003; gnomAD exomes 0.00001 and 0.00002; ExAC 0.00003; TOPMed 0.00003; ESP Exome Variant Server 0.00048.

Submissions (12):

ClinGen ACADVL Variant Curation Expert Panel, ClinGen
Classification: Likely pathogenic for Very long chain acyl-CoA dehydrogenase deficiency. Last evaluated: 2023-06-13. Review status: reviewed by expert panel. Criteria: clingen acadvl acmg specifications v1. Collection method: curation. Allele origin: germline. Inheritance: Autosomal recessive inheritance.
Comment: The c.887_888del (p.Pro296ArgfsTer17) variant in ACADVL results in a frameshift predicted to cause a premature stop codon in biologically relevant exon 10/20 leading to nonsense mediated decay in a gene in which loss-of-function is an established disease mechanism (PVS1: PMIDs 9973285, 11590124). The highest population minor allele frequency in gnomAD is 0.00003 in the Latino population, which is lower than the ClinGen ACADVL Variant Curation Expert Panel threshold (<0.001) meeting this criterion (PM2_Supporting). This variant has also been reported in patients with phenotypes suggestive of a fatty acid oxidation defect (PMIDs: 10077518, 32778825). The ACADVL Variant Curation Expert Panel VCEP classified the variant as likely pathogenic based on (PVS1+PM2_supporting).

Labcorp Genetics (formerly Invitae), Labcorp
Classification: Pathogenic for Very long chain acyl-CoA dehydrogenase deficiency. Last evaluated: 2024-11-13. Review status: criteria provided, single submitter. Criteria: Invitae Variant Classification Sherloc (09022015). Collection method: clinical testing. Allele origin: germline. Not counted in ClinVar's aggregate classification.
Comment: This sequence change creates a premature translational stop signal (p.Pro296Argfs*17) in the ACADVL gene. It is expected to result in an absent or disrupted protein product. Loss-of-function variants in ACADVL are known to be pathogenic (PMID: 9973285, 11590124). This variant is present in population databases (rs753108198, gnomAD 0.0009%). This premature translational stop signal has been observed in individual(s) with very long-chain acyl-CoA dehydrogenase deficiency (PMID: 23480858, 30194637). ClinVar contains an entry for this variant (Variation ID: 189008). For these reasons, this variant has been classified as Pathogenic.

Natera, Inc.
Classification: Pathogenic for Very long chain acyl-CoA dehydrogenase deficiency. Last evaluated: 2024-05-09. Review status: criteria provided, single submitter. Criteria: Natera Variant Classification Schema (03/2026). Collection method: clinical testing. Allele origin: germline. Not counted in ClinVar's aggregate classification.
Comment: The c.887_888delCT variant in ACADVL is a frameshift variant predicted to shift the reading frame beginning at codon 296 and leads to a stop codon 17 codons downstream. This variant is expected to result in nonsense mediated decay, truncation, or a dysfunctional protein product. This variant is rare in the general population with a frequency below the threshold expected for the associated phenotype(s). This variant has been observed in one or more individuals affected with the associated recessive disease, as either homozygous or compound heterozygous with a second variant (PMID: 31620161, 30194637, 12122118). Given the available evidence, this variant is classified as Pathogenic.

Fulgent Genetics
Classification: Pathogenic for Very long chain acyl-CoA dehydrogenase deficiency. Last evaluated: 2024-04-03. Review status: criteria provided, single submitter. Criteria: ACMG Guidelines, 2015. Collection method: clinical testing. Allele origin: germline. Not counted in ClinVar's aggregate classification.

Baylor Genetics
Classification: Pathogenic for Very long chain acyl-CoA dehydrogenase deficiency. Last evaluated: 2023-12-02. Review status: criteria provided, single submitter. Criteria: ACMG Guidelines, 2015. Collection method: clinical testing. Allele origin: unknown. Not counted in ClinVar's aggregate classification.

CeGaT Center for Human Genetics Tuebingen
Classification: Pathogenic. Last evaluated: 2022-01-01. Review status: criteria provided, single submitter. Criteria: CeGaT Center For Human Genetics Tuebingen Variant Classification Criteria Version 2. Collection method: clinical testing. Allele origin: germline. Affected: yes. Observed: 1 variant allele. Not counted in ClinVar's aggregate classification.

Center for Genomics, Ann and Robert H. Lurie Children's Hospital of Chicago
Classification: Pathogenic for Very long chain acyl-CoA dehydrogenase deficiency. Last evaluated: 2021-03-30. Review status: criteria provided, single submitter. Criteria: ACMG Guidelines, 2015. Collection method: clinical testing. Allele origin: germline. Not counted in ClinVar's aggregate classification.
Comment: ACADVL NM_000018.3 exon 10 p.Pro296Argfs*17 (c.887_888del): This variant has been reported in the literature in the homozygous or compound heterozygous state in multiple individuals with features of VLCAD deficiency (Schiff 2013 PMID:23480858, Hesse 2018 PMID:30194637, Wang 2019 PMID:31620161). Additionally, enzyme studies on fibroblast samples from two patients showed no detectible residual enzyme activity (Mathur 1999 PMID:10077518, Schiff 2013 PMID:23480858). This variant is present in 0.002% (1/34482) of Latino alleles in the Genome Aggregation Database. Please note, disease causing variants may be present in control databases at low frequencies, reflective of the general population, carrier status, and/or variable expressivity. This variant is present in ClinVar, with several labs classifying this variant as pathogenic or Likely Pathogenic (Variation ID:189008). Evolutionary conservation and computational predictive tools for this variant are limited or unavailable. This variant creates a premature stop codon 17 amino acids downstream from this location which results in an absent or abnormal protein. Loss of function variants are a known mechanism of disease for this gene (Andresen 1999 PMID:9973285). In summary, this variant is classified as pathogenic based on the data above.

Laboratory for Molecular Medicine, Mass General Brigham Personalized Medicine
Classification: Pathogenic for Very long chain acyl-CoA dehydrogenase deficiency. Last evaluated: 2020-07-17. Review status: criteria provided, single submitter. Criteria: ACMG Guidelines, 2015. Collection method: clinical testing. Allele origin: germline. Inheritance: Autosomal recessive inheritance. Not counted in ClinVar's aggregate classification.
Comment: The p.Pro296ArgfsX17 variant in ACADVL has been reported in several individuals with very long chain acyl-CoA dehydrogenase deficiency (VLCADD), including at least 1 homozygous and 3 compound heterozygous individuals (Hesse 2018 PMID 30194637; Roe 2002 PMID:12122118; Wang 2019 PMID:31620161; Mathur 1999 PMID:10077518; Miller 2015 PMID:26385305; Schiff 2013 PMID:23480858). It has also been identified in 2/250254 of the total chromosomes by gnomAD. However, this frequency is low enough to be consistent with a recessive allele frequency. This variant is predicted to cause a frameshift, which alters the protein’s amino acid sequence beginning at position 296 and leads to a premature termination codon 17 amino acids downstream. This alteration is then predicted to lead to a truncated or absent protein. Loss of function of the ACADVL gene is an established disease mechanism in autosomal recessive VLCADD. In summary, this variant meets criteria to be classified as pathogenic for autosomal recessive VLCADD. ACMG/AMP Criteria applied: PVS1, PM2, PM3_Strong.

Women's Health and Genetics/Laboratory Corporation of America, LabCorp
Classification: Pathogenic for Very long chain acyl-CoA dehydrogenase deficiency. Last evaluated: 2019-11-01. Review status: criteria provided, single submitter. Criteria: LabCorp Variant Classification Summary - May 2015. Collection method: clinical testing. Allele origin: germline. Not counted in ClinVar's aggregate classification.
Comment: Variant summary: ACADVL c.887_888delCT (p.Pro296ArgfsX17) results in a premature termination codon, predicted to cause a truncation of the encoded protein or absence of the protein due to nonsense mediated decay, which are commonly known mechanisms for disease. Truncations downstream of this position have been classified as pathogenic by our laboratory. The variant allele was found at a frequency of 8e-06 in 250254 control chromosomes (gnomAD). c.887_888delCT has been reported in the literature in individuals affected with Very Long Chain Acyl-CoA Dehydrogenase Deficiency (Hesse_2018, Mathur_1999, Schiff_2013, Wang_2019). These data indicate that the variant is likely to be associated with disease. No clinical diagnostic laboratories have submitted clinical-significance assessments for this variant to ClinVar after 2014. Based on the evidence outlined above, the variant was classified as pathogenic.

Wong Mito Lab, Molecular and Human Genetics, Baylor College of Medicine
Classification: Pathogenic for Very long chain acyl-CoA dehydrogenase deficiency. Last evaluated: 2019-11-01. Review status: criteria provided, single submitter. Criteria: ACMG Guidelines, 2015. Collection method: clinical testing. Allele origin: germline. Not counted in ClinVar's aggregate classification.
Comment: The NM_000018.3:c.887_888delCT (NP_000009.1:p.Pro296ArgfsTer17) [GRCH38: NC_000017.11:g.7222675_7222676delCT] variant in ACADVL gene is interpretated to be Pathogenic based on ACMG guidelines (PMID: 25741868). This variant has been reported in PMID: 10077518. This variant meets the following evidence codes reported in the ACMG guidelines: PVS1, PS3

GeneDx
Classification: Pathogenic. Last evaluated: 2014-07-25. Review status: criteria provided, single submitter. Criteria: GeneDx Variant Classification (06012015). Collection method: clinical testing. Allele origin: germline. Affected: yes. Not counted in ClinVar's aggregate classification.
Comment: The c.887_888delCT mutation has been reported previously in association with VLCAD deficiency (Mathur et al., 1999). The deletion causes a frameshift starting with codon Proline 296, changes this amino acid to an Arginine residue and creates a premature Stop codon at position 17 of the new reading frame, denoted p.Pro296ArgfsX17. This mutation is predicted to cause loss of normal protein function either through protein truncation or nonsense-mediated mRNA decay. The variant is found in ACADVL panel(s).

Counsyl
Classification: Likely pathogenic for Very long chain acyl-CoA dehydrogenase deficiency. Last evaluated: 2014-10-10. Review status: no assertion criteria provided. Collection method: literature only. Allele origin: unknown. Inheritance: Autosomal recessive inheritance. Not counted in ClinVar's aggregate classification.

Literature cited by the submitters: PubMed 9973285 (cited by Labcorp Genetics (formerly Invitae), Labcorp); PubMed 11590124 (cited by Labcorp Genetics (formerly Invitae), Labcorp); PubMed 23480858 (cited by 4 submitters); PubMed 30194637 (cited by 4 submitters); PubMed 31620161 (cited by 3 submitters); PubMed 12122118 (cited by 3 submitters); PubMed 10077518 (cited by 4 submitters); PubMed 26385305 (cited by Laboratory for Molecular Medicine, Mass General Brigham Personalized Medicine and Women's Health and Genetics/Laboratory Corporation of America, LabCorp).